The following is an entry in ClinVar:

NM_198075.4(LRRC56):c.423+3G>A

Gene: LRRC56 (leucine rich repeat containing 56; plus strand). Cytogenetic location: 11p15.5.
Variant type: single nucleotide variant.
Coding change: c.423+3G>A on transcript NM_198075.4 (MANE Select); 3 bases into the intron after coding-DNA position 423, G replaced by A.
Molecular consequence: intron variant.
Genome position (GRCh38, 1-based): chr11:550,001, G>A. VCF-style: chr11-550001-G-A. GRCh37 (hg19) VCF-style: chr11-550001-G-A.
Identifiers: ClinVar variation 1967117 (VCV001967117.2), dbSNP rs763955150, ClinGen allele CA5779688.
Genomic context (GRCh38, chr11:550,001, plus strand): 5'-GCTGGCTCGCTGTGGCCTCGCTGACCTGGATGGCATCGCCTCTTTGCCAGCACTTAAGGT[G>A]AGTCTGGGCACCCTGGGCTGGGGAGGCCTGGGCTGGGCCGGGCCCTGGCTCAGAGCCCCG-3'

ClinVar aggregate classification (germline): Uncertain significance (1 of 4 stars; one submission).

Allele frequency attached by ClinVar (database versions not stated): ExAC 0.00001.
gnomAD v4.1: 35 of 1,612,524 alleles (0.0022%); highest among the groups gnomAD compares: Non-Finnish European, 0.003%; no homozygotes.

Submission:

Labcorp Genetics (formerly Invitae), Labcorp
Classification: Uncertain significance. Last evaluated: 2022-08-12. Review status: criteria provided, single submitter. Criteria: Invitae Variant Classification Sherloc (09022015). Collection method: clinical testing. Allele origin: germline.
Comment: This sequence change falls in intron 7 of the LRRC56 gene. It does not directly change the encoded amino acid sequence of the LRRC56 protein. It affects a nucleotide within the consensus splice site. This variant is present in population databases (rs763955150, gnomAD 0.0009%). This variant has not been reported in the literature in individuals affected with LRRC56-related conditions. Variants that disrupt the consensus splice site are a relatively common cause of aberrant splicing (PMID: 17576681, 9536098). Algorithms developed to predict the effect of sequence changes on RNA splicing suggest that this variant is not likely to affect RNA splicing. In summary, the available evidence is currently insufficient to determine the role of this variant in disease. Therefore, it has been classified as a Variant of Uncertain Significance.

Literature cited by the submitters: PubMed 17576681; PubMed 9536098.